The following is an entry in ClinVar:

NM_021956.5(GRIK2):c.2633A>T (p.Lys878Met)

Gene: GRIK2 (glutamate ionotropic receptor kainate type subunit 2; plus strand). Cytogenetic location: 6q16.3.
Variant type: single nucleotide variant.
Coding change: c.2633A>T on transcript NM_021956.5 (MANE Select); coding-DNA position 2633, A replaced by T.
Protein change: p.Lys878Met; replaces lysine 878 with methionine.
Molecular consequence: missense variant. On other transcripts: 3 prime UTR variant (2).
Genome position (GRCh38, 1-based): chr6:102,068,417, A>T. VCF-style: chr6-102068417-A-T. GRCh37 (hg19) VCF-style: chr6-102516292-A-T.
Other names: c.*86A>T (NM_001166247.1); c.*110A>T (NM_175768.3); short protein forms K878M.
Identifiers: ClinVar variation 3360736 (VCV003360736.1).

ClinVar aggregate classification (germline): Uncertain significance (1 of 4 stars; one submission).

gnomAD v4.1: 1 of 1,612,070 alleles (0.000062%); highest among the groups gnomAD compares: African/African-American, 0.0013%; no homozygotes.

Submission:

GeneDx
Classification: Uncertain significance. Last evaluated: 2023-07-06. Review status: criteria provided, single submitter. Criteria: GeneDx Variant Classification Process June 2021. Collection method: clinical testing. Allele origin: germline. Affected: yes.
Comment: Not observed at significant frequency in large population cohorts (gnomAD); In silico analysis supports that this missense variant does not alter protein structure/function; Has not been previously published as pathogenic or benign to our knowledge